The following is an entry in ClinVar:

NM_003922.4(HERC1):c.14012A>T (p.Asn4671Ile)

Gene: HERC1 (HECT and RLD domain containing E3 ubiquitin protein ligase family member 1; minus strand). Cytogenetic location: 15q22.31.
Variant type: single nucleotide variant.
Coding change: c.14012A>T on transcript NM_003922.4 (MANE Select); coding-DNA position 14012, A replaced by T.
Protein change: p.Asn4671Ile; replaces asparagine 4671 with isoleucine.
Molecular consequence: missense variant.
Genome position (GRCh38, 1-based): chr15:63,615,850, T>A on the plus strand (A>T on the coding strand, the complement: HERC1 is on the minus strand). VCF-style: chr15-63615850-T-A. GRCh37 (hg19) VCF-style: chr15-63908049-T-A.
Other names: short protein forms N4671I.
Identifiers: ClinVar variation 3364045 (VCV003364045.2).

ClinVar aggregate classification (germline): Uncertain significance. Review status: criteria provided, multiple submitters, no conflicts (2 of 4 stars). 2 submissions from 2 submitters: Uncertain significance (2). Last evaluated 2025-04-11.

Conditions:
Inborn genetic diseases. Identifiers: MedGen C0950123, MeSH D030342.

gnomAD v4.1: 1 of 1,607,690 alleles (0.000062%); highest among the groups gnomAD compares: Non-Finnish European, 0.000085%; no homozygotes.

Submissions (2):

Ambry Genetics
Classification: Uncertain significance for Inborn genetic diseases. Last evaluated: 2025-04-11. Review status: criteria provided, single submitter. Criteria: Ambry Variant Classification Scheme 2023. Collection method: clinical testing. Allele origin: germline.

GeneDx
Classification: Uncertain significance. Last evaluated: 2023-11-09. Review status: criteria provided, single submitter. Criteria: GeneDx Variant Classification Process June 2021. Collection method: clinical testing. Allele origin: germline. Affected: yes.
Comment: Not observed at significant frequency in large population cohorts (gnomAD); In silico analysis supports that this missense variant has a deleterious effect on protein structure/function; Has not been previously published as pathogenic or benign to our knowledge